The following is an entry in ClinVar:

ClinVar aggregate classification (germline): Uncertain significance (1 of 4 stars; one submission).

Submission:

Labcorp Genetics (formerly Invitae), Labcorp
Classification: Uncertain significance. Last evaluated: 2022-09-20. Review status: criteria provided, single submitter. Criteria: Invitae Variant Classification Sherloc (09022015). Collection method: clinical testing. Allele origin: germline.
Comment: Algorithms developed to predict the effect of sequence changes on RNA splicing suggest that this variant may create or strengthen a splice site. This variant has not been reported in the literature in individuals affected with CACNA1E-related conditions. This variant is not present in population databases (gnomAD no frequency). This sequence change creates a premature translational stop signal (p.Lys1528*) in the CACNA1E gene. It is expected to result in an absent or disrupted protein product. However, the current clinical and genetic evidence is not sufficient to establish whether loss-of-function variants in CACNA1E cause disease. In summary, the available evidence is currently insufficient to determine the role of this variant in disease. Therefore, it has been classified as a Variant of Uncertain Significance.

NM_001205293.3(CACNA1E):c.4582A>T (p.Lys1528Ter)

Gene: CACNA1E (calcium voltage-gated channel subunit alpha1 E; plus strand). Cytogenetic location: 1q25.3.
Variant type: single nucleotide variant.
Coding change: c.4582A>T on transcript NM_001205293.3 (MANE Select); coding-DNA position 4582, A replaced by T.
Protein change: p.Lys1528Ter; replaces lysine 1528 with a stop codon.
Molecular consequence: nonsense.
Genome position (GRCh38, 1-based): chr1:181,758,845, A>T. VCF-style: chr1-181758845-A-T. GRCh37 (hg19) VCF-style: chr1-181727981-A-T.
Other names: c.4582A>T, p.Lys1528Ter (NM_000721.4); c.4525A>T, p.Lys1509Ter (NM_001205294.2); short protein forms K1528*, K1509*.
Identifiers: ClinVar variation 2031489 (VCV002031489.4), dbSNP rs2528996874, ClinGen allele CA343625730.